The following is an entry in ClinVar:

NM_000143.4(FH):c.1469del (p.Gly490fs)

Gene: FH (fumarate hydratase; minus strand). Cytogenetic location: 1q43.
Variant type: Deletion.
Coding change: c.1469del on transcript NM_000143.4 (MANE Select); coding-DNA position 1469, one base deleted (G; older notation c.1469delG).
Protein change: p.Gly490fs; shifts the reading frame from glycine 490.
Molecular consequence: frameshift variant.
Genome position (GRCh38, 1-based): chr1:241,497,892, C deleted on the plus strand (G on the coding strand, the reverse complement: FH is on the minus strand); the first of 2 consecutive C bases (chr1:241,497,892-241,497,893); deleting either gives the same sequence. VCF-style (leftmost placement, unchanged base first): chr1-241497891-GC-G. GRCh37 (hg19) VCF-style: chr1-241661191-GC-G.
Other names: c.1469delG (NM_000143.3); short protein forms G490fs.
Identifiers: ClinVar variation 393582 (VCV000393582.13), dbSNP rs1060499645, ClinGen allele CA16609359.
Genomic context (GRCh38, chr1:241,497,891, plus strand): 5'-CTTTGGACCCAGCATGTCCTTAGGTTTTACCCATTCGTCAAACTGCTCTGCTGTGAGATA[GC>G]CAAGTTCGATAGCAGTTTCCTTTAAGGTTGATCCATTTTTGTGTGCTGTCTTAGCAATCT-3'

ClinVar aggregate classification (germline): Pathogenic/Likely pathogenic. Review status: criteria provided, multiple submitters, no conflicts (2 of 4 stars). 5 submissions from 5 submitters: Pathogenic (2); Likely pathogenic (3). Last evaluated 2025-04-04.

Conditions:
Hereditary cancer-predisposing syndrome. Also called: Neoplastic Syndromes, Hereditary; Hereditary Cancer Syndrome; Hereditary neoplastic syndrome; Tumor predisposition. Identifiers: Orphanet 140162, MedGen C0027672, MeSH D009386, MONDO:0015356.
Hereditary leiomyomatosis and renal cell cancer. Also called: LEIOMYOMA, MULTIPLE CUTANEOUS; MULTIPLE CUTANEOUS AND UTERINE LEIOMYOMATA 1, WITH OR WITHOUT RENAL CELL CARCINOMA; Reed syndrome; Multiple cutaneous and uterine leiomyomatosis; Cutaneous leiomyomata with uterine leiomyomata; Leiomyoma, hereditary multiple, of skin. Identifiers: Orphanet 523, MedGen C1708350, MONDO:0007888, OMIM 150800, HP:0007437. Disease mechanism: loss of function.

Submissions (5):

Myriad Genetics, Inc.
Classification: Likely pathogenic for Hereditary leiomyomatosis and renal cell cancer. Last evaluated: 2025-04-04. Review status: criteria provided, single submitter. Criteria: Myriad Autosomal Dominant, Autosomal Recessive and X-Linked Classification Criteria (2023). Collection method: clinical testing. Allele origin: unknown.
Comment: This variant is considered likely pathogenic. This variant creates a frameshift predicted to result in premature protein truncation.

Molecular Pathology, Peter Maccallum Cancer Centre
Classification: Likely pathogenic for Hereditary leiomyomatosis and renal cell cancer. Last evaluated: 2024-07-25. Review status: criteria provided, single submitter. Criteria: ACMG Guidelines, 2015. Collection method: clinical testing. Allele origin: germline. Inheritance: Autosomal dominant inheritance.

Labcorp Genetics (formerly Invitae), Labcorp
Classification: Pathogenic. Last evaluated: 2023-03-18. Review status: criteria provided, single submitter. Criteria: Invitae Variant Classification Sherloc (09022015). Collection method: clinical testing. Allele origin: germline.
Comment: For these reasons, this variant has been classified as Pathogenic. This variant disrupts a region of the FH protein in which other variant(s) (p.Trp500*) have been determined to be pathogenic (PMID: 9635293, 21398687). This suggests that this is a clinically significant region of the protein, and that variants that disrupt it are likely to be disease-causing. ClinVar contains an entry for this variant (Variation ID: 393582). This variant is also known as 1339delG. This premature translational stop signal has been observed in individual(s) with hereditary leiomyomatosis and renal cell cancer (HLRCC) (PMID: 12772087). It has also been observed to segregate with disease in related individuals. This variant is not present in population databases (gnomAD no frequency). This sequence change creates a premature translational stop signal (p.Gly490Alafs*12) in the FH gene. While this is not anticipated to result in nonsense mediated decay, it is expected to disrupt the last 21 amino acid(s) of the FH protein.

Ambry Genetics
Classification: Pathogenic for Hereditary cancer-predisposing syndrome. Last evaluated: 2022-05-31. Review status: criteria provided, single submitter. Criteria: Ambry Variant Classification Scheme 2023. Collection method: clinical testing. Allele origin: germline.
Comment: The c.1469delG pathogenic mutation, located in coding exon 10 of the FH gene, results from a deletion of one nucleotide at nucleotide position 1469, causing a translational frameshift with a predicted alternate stop codon (p.G490Afs*12). This alteration occurs at the 3' terminus of theFH gene, is not expected to trigger nonsense-mediated mRNA decay, and only impacts the last 22 amino acids of the protein. However, premature stop codons are typically deleterious in nature and the impacted region is critical for protein function (Ambry internal data). This variant is considered to be rare based on population cohorts in the Genome Aggregation Database (gnomAD). Based on the supporting evidence, this alteration is interpreted as a disease-causing mutation.

Genomic Diagnostic Laboratory, Division of Genomic Diagnostics, Children's Hospital of Philadelphia
Classification: Likely pathogenic for Hereditary leiomyomatosis and renal cell cancer. Last evaluated: 2017-01-17. Review status: criteria provided, single submitter. Criteria: DGD Variant Analysis Guidelines. Collection method: clinical testing. Allele origin: germline. Affected: yes. Observed: 1 variant allele.
Comment: Clinical Testing

Literature cited by the submitters: PubMed 9635293 (cited by Labcorp Genetics (formerly Invitae), Labcorp); PubMed 21398687 (cited by Labcorp Genetics (formerly Invitae), Labcorp); PubMed 12772087 (cited by Labcorp Genetics (formerly Invitae), Labcorp).